The following is an entry in ClinVar:

NM_000138.5(FBN1):c.3441C>T (p.Ser1147=)

Gene: FBN1 (fibrillin 1; minus strand). Cytogenetic location: 15q21.1.
Variant type: single nucleotide variant.
Coding change: c.3441C>T on transcript NM_000138.5 (MANE Select); coding-DNA position 3441, C replaced by T.
Protein change: p.Ser1147=; no amino-acid change (serine 1147 retained).
Molecular consequence: synonymous variant.
Genome position (GRCh38, 1-based): chr15:48,487,334, G>A on the plus strand (C>T on the coding strand, the complement: FBN1 is on the minus strand). VCF-style: chr15-48487334-G-A. GRCh37 (hg19) VCF-style: chr15-48779531-G-A.
Other names: c.3441C>T, p.Ser1147= (NM_001406716.1).
Identifiers: ClinVar variation 1731473 (VCV001731473.4), dbSNP rs142058321, ClinGen allele CA050595.

ClinVar aggregate classification (germline): Likely benign. Review status: criteria provided, multiple submitters, no conflicts (2 of 4 stars). 3 submissions from 3 submitters: Likely benign (3). Last evaluated 2023-08-15.

Conditions:
Familial thoracic aortic aneurysm and aortic dissection (TAAD). Also called: Thoracic aortic aneurysms and dissections. Identifiers: Orphanet 91387, MedGen C4707243, MONDO:0019625.
Marfan syndrome (MFS). Also called: Marfan's syndrome; Marfan syndrome, classic; MARFAN SYNDROME, TYPE I; Marfan syndrome type 1; FBN1-Related Marfan Syndrome. Identifiers: Orphanet 284963, Orphanet 558, MedGen C0024796, MONDO:0007947, OMIM 154700.

Allele frequency attached by ClinVar (database versions not stated): gnomAD 0.00001; ExAC 0.00002; TOPMed 0.00003; gnomAD exomes below 0.00001; ESP Exome Variant Server 0.00008.
gnomAD v4.1: 2 of 1,614,120 alleles (0.00012%); highest among the groups gnomAD compares: African/African-American, 0.0027%; no homozygotes.

Submissions (3):

All of Us Research Program, National Institutes of Health
Classification: Likely benign for Marfan syndrome. Last evaluated: 2023-08-15. Review status: criteria provided, single submitter. Criteria: ACMG Guidelines, 2015. Collection method: clinical testing. Allele origin: germline. Inheritance: Autosomal dominant inheritance. Observed: 1 variant allele, 1 heterozygote.
Comment: This study involves interpretation of variants in research participants for the purpose of population health screening. Participant phenotype was not available at the time of variant classification. Additional details can be found in publication PMID: 35346344, PMCID: PMC8962531

Color Diagnostics, LLC DBA Color Health
Classification: Likely benign for Familial thoracic aortic aneurysm and aortic dissection. Last evaluated: 2023-08-09. Review status: criteria provided, single submitter. Criteria: ACMG Guidelines, 2015. Collection method: clinical testing. Allele origin: germline.

Ambry Genetics
Classification: Likely benign for Familial thoracic aortic aneurysm and aortic dissection. Last evaluated: 2022-06-09. Review status: criteria provided, single submitter. Criteria: Ambry Variant Classification Scheme 2023. Collection method: clinical testing. Allele origin: germline.